The following is an entry in ClinVar:

NM_017849.4(TMEM127):c.232G>A (p.Asp78Asn)

Gene: TMEM127 (transmembrane protein 127; minus strand). Cytogenetic location: 2q11.2.
Variant type: single nucleotide variant.
Coding change: c.232G>A on transcript NM_017849.4 (MANE Select); coding-DNA position 232, G replaced by A.
Protein change: p.Asp78Asn; replaces aspartic acid 78 with asparagine.
Molecular consequence: missense variant. On other transcripts: intron variant (1).
Genome position (GRCh38, 1-based): chr2:96,265,150, C>T on the plus strand (G>A on the coding strand, the complement: TMEM127 is on the minus strand). VCF-style: chr2-96265150-C-T. GRCh37 (hg19) VCF-style: chr2-96930888-C-T.
Other names: c.232G>A, p.Asp78Asn (NM_001193304.3); c.-9+719G>A (NM_001407283.1); short protein forms D78N.
Identifiers: ClinVar variation 4185916 (VCV004185916.1).

ClinVar aggregate classification (germline): Uncertain significance (1 of 4 stars; one submission).

Conditions:
Hereditary cancer-predisposing syndrome. Also called: Neoplastic Syndromes, Hereditary; Tumor predisposition; Hereditary Cancer Syndrome; Hereditary neoplastic syndrome. Identifiers: Orphanet 140162, MedGen C0027672, MeSH D009386, MONDO:0015356.

Submission:

Ambry Genetics
Classification: Uncertain significance for Hereditary cancer-predisposing syndrome. Last evaluated: 2025-08-20. Review status: criteria provided, single submitter. Criteria: Ambry Variant Classification Scheme 2023. Collection method: clinical testing. Allele origin: germline.
Comment: The p.D78N variant (also known as c.232G>A), located in coding exon 1 of the TMEM127 gene, results from a G to A substitution at nucleotide position 232. The aspartic acid at codon 78 is replaced by asparagine, an amino acid with highly similar properties. This amino acid position is conserved. In addition, this alteration is predicted to be tolerated by in silico analysis. Based on the available evidence, the clinical significance of this variant remains unclear.